The following is an entry in ClinVar:

NM_002972.4(SBF1):c.133A>G (p.Ile45Val)

Gene: SBF1 (SET binding factor 1; minus strand). Cytogenetic location: 22q13.33.
Variant type: single nucleotide variant.
Coding change: c.133A>G on transcript NM_002972.4 (MANE Select); coding-DNA position 133, A replaced by G.
Protein change: p.Ile45Val; replaces isoleucine 45 with valine.
Molecular consequence: missense variant.
Genome position (GRCh38, 1-based): chr22:50,468,384, T>C on the plus strand (A>G on the coding strand, the complement: SBF1 is on the minus strand). VCF-style: chr22-50468384-T-C. GRCh37 (hg19) VCF-style: chr22-50906813-T-C.
Other names: c.133A>G, p.Ile45Val (NM_001365819.1, NM_001410794.1, NM_001410795.1 and 1 more transcripts); short protein forms I45V.
Identifiers: ClinVar variation 1908194 (VCV001908194.3), dbSNP rs759227174, ClinGen allele CA10318230.
Genomic context (GRCh38, chr22:50,468,384, plus strand): 5'-CCCACCTGCCCTCCCCACCTGCCAGCACCGTCTCAGCACGCCCCCAACTCACCAGCTCGA[T>C]GCCCTGGGGGAATGGGTTGTCCTCCCAGTCCTTCTCTGGGAAGCGCTGCAGAATCTGGCC-3'
Protein context (NP_002963.2, residues 35-55): DWEDNPFPQG[Ile45Val]ELFCQPSGWQ

ClinVar aggregate classification (germline): Uncertain significance (1 of 4 stars; one submission).

Allele frequency attached by ClinVar (database versions not stated): ExAC 0.00002; gnomAD exomes 0.00003.
gnomAD v4.1: 39 of 1,612,954 alleles (0.0024%); highest among the groups gnomAD compares: Non-Finnish European, 0.0031%; no homozygotes.

Submission:

Labcorp Genetics (formerly Invitae), Labcorp
Classification: Uncertain significance. Last evaluated: 2025-01-28. Review status: criteria provided, single submitter. Criteria: Invitae Variant Classification Sherloc (09022015). Collection method: clinical testing. Allele origin: germline.
Comment: This sequence change replaces isoleucine, which is neutral and non-polar, with valine, which is neutral and non-polar, at codon 45 of the SBF1 protein (p.Ile45Val). This variant is present in population databases (rs759227174, gnomAD 0.003%). This variant has not been reported in the literature in individuals affected with SBF1-related conditions. ClinVar contains an entry for this variant (Variation ID: 1908194). Invitae Evidence Modeling of protein sequence and biophysical properties (such as structural, functional, and spatial information, amino acid conservation, physicochemical variation, residue mobility, and thermodynamic stability) indicates that this missense variant is not expected to disrupt SBF1 protein function with a negative predictive value of 80%. In summary, the available evidence is currently insufficient to determine the role of this variant in disease. Therefore, it has been classified as a Variant of Uncertain Significance.